The following is an entry in ClinVar:

NM_002474.3(MYH11):c.1803C>T (p.Asp601=)

Gene: MYH11 (myosin heavy chain 11; minus strand). Cytogenetic location: 16p13.11.
Variant type: single nucleotide variant.
Coding change: c.1803C>T on transcript NM_002474.3 (MANE Select); coding-DNA position 1803, C replaced by T.
Protein change: p.Asp601=; no amino-acid change (aspartic acid 601 retained).
Molecular consequence: synonymous variant.
Genome position (GRCh38, 1-based): chr16:15,753,455, G>A on the plus strand (C>T on the coding strand, the complement: MYH11 is on the minus strand). VCF-style: chr16-15753455-G-A. GRCh37 (hg19) VCF-style: chr16-15847312-G-A.
Other names: c.1824C>T, p.Asp608= (NM_001040113.2, NM_001040114.2); c.1803C>T, p.Asp601= (NM_022844.3).
Identifiers: ClinVar variation 3387230 (VCV003387230.1).

ClinVar aggregate classification (germline): Likely benign (1 of 4 stars; one submission).

Conditions:
Familial thoracic aortic aneurysm and aortic dissection (TAAD). Also called: Thoracic aortic aneurysms and dissections. Identifiers: Orphanet 91387, MedGen C4707243, MONDO:0019625.

gnomAD v4.1: 2 of 1,614,008 alleles (0.00012%); highest among the groups gnomAD compares: Non-Finnish European, 0.00017%; no homozygotes.

Submission:

All of Us Research Program, National Institutes of Health
Classification: Likely benign for Familial thoracic aortic aneurysm and aortic dissection. Last evaluated: 2024-07-20. Review status: criteria provided, single submitter. Criteria: ACMG Guidelines, 2015. Collection method: clinical testing. Allele origin: germline. Inheritance: Autosomal dominant inheritance. Observed: 1 variant allele, 1 heterozygote.
Comment: This study involves interpretation of variants in research participants for the purpose of population health screening. Participant phenotype was not available at the time of variant classification. Additional details can be found in publication PMID: 35346344, PMCID: PMC8962531